The following is an entry in ClinVar:

ClinVar aggregate classification (germline): Likely pathogenic (1 of 4 stars; one submission).

Allele frequency attached by ClinVar (database versions not stated): gnomAD exomes below 0.00001.
gnomAD v4.1: 2 of 1,613,548 alleles (0.00012%); highest among the groups gnomAD compares: Non-Finnish European, 0.00017%; no homozygotes.

Submission:

Labcorp Genetics (formerly Invitae), Labcorp
Classification: Likely pathogenic. Last evaluated: 2023-12-11. Review status: criteria provided, single submitter. Criteria: Invitae Variant Classification Sherloc (09022015). Collection method: clinical testing. Allele origin: germline.
Comment: This sequence change affects a donor splice site in intron 25 of the TRPM1 gene. It is expected to disrupt RNA splicing. Variants that disrupt the donor or acceptor splice site typically lead to a loss of protein function (PMID: 16199547), and loss-of-function variants in TRPM1 are known to be pathogenic (PMID: 19896113, 19966281, 20300565). This variant is not present in population databases (gnomAD no frequency). This variant has not been reported in the literature in individuals affected with TRPM1-related conditions. ClinVar contains an entry for this variant (Variation ID: 2091347). Algorithms developed to predict the effect of sequence changes on RNA splicing suggest that this variant may disrupt the consensus splice site. In summary, the currently available evidence indicates that the variant is pathogenic, but additional data are needed to prove that conclusively. Therefore, this variant has been classified as Likely Pathogenic.

Literature cited by the submitters: PubMed 16199547; PubMed 19896113; PubMed 19966281; PubMed 20300565.

NM_001252024.2(TRPM1):c.3496+1G>A

Genes: TRPM1 (transient receptor potential cation channel subfamily M member 1; minus strand), TRPM1-AS1 (TRPM1 antisense RNA 1; plus strand), LOC126862088 (BRD4-independent group 4 enhancer GRCh37_chr15:31318084-31319283; plus strand). Cytogenetic location: 15q13.3.
Variant type: single nucleotide variant.
Coding change: c.3496+1G>A on transcript NM_001252024.2 (MANE Select); the canonical splice donor site of the intron after coding-DNA position 3496, G replaced by A.
Molecular consequence: splice donor variant.
Genome position (GRCh38, 1-based): chr15:31,026,914, C>T on the plus strand (G>A on the coding strand, the complement: TRPM1 is on the minus strand). VCF-style: chr15-31026914-C-T. GRCh37 (hg19) VCF-style: chr15-31319117-C-T.
Other names: c.3547+1G>A (NM_001252020.2); c.3430+1G>A (NM_002420.6).
Identifiers: ClinVar variation 2091347 (VCV002091347.4), dbSNP rs2032789560, ClinGen allele CA391540934.